The following is an entry in ClinVar:

ClinVar aggregate classification (germline): Pathogenic (1 of 4 stars; one submission).

Conditions:
Early-infantile DEE. Also called: Early infantile epileptic encephalopathy; Early infantile epileptic encephalopathy with suppression bursts; Ohtahara syndrome. Identifiers: Orphanet 1934, MedGen C0393706, MONDO:0800491.

Submission:

Labcorp Genetics (formerly Invitae), Labcorp
Classification: Pathogenic for Early-infantile DEE. Last evaluated: 2024-09-05. Review status: criteria provided, single submitter. Criteria: Invitae Variant Classification Sherloc (09022015). Collection method: clinical testing. Allele origin: germline.
Comment: This sequence change replaces glycine, which is neutral and non-polar, with arginine, which is basic and polar, at codon 873 of the SCN8A protein (p.Gly873Arg). This variant is not present in population databases (gnomAD no frequency). This missense change has been observed in individual(s) with SCN8A-related conditions (internal data). In at least one individual the variant was observed to be de novo. Invitae Evidence Modeling of protein sequence and biophysical properties (such as structural, functional, and spatial information, amino acid conservation, physicochemical variation, residue mobility, and thermodynamic stability) indicates that this missense variant is expected to disrupt SCN8A protein function with a positive predictive value of 95%. For these reasons, this variant has been classified as Pathogenic.

NM_001330260.2(SCN8A):c.2617G>C (p.Gly873Arg)

Gene: SCN8A (sodium voltage-gated channel alpha subunit 8; plus strand). Cytogenetic location: 12q13.13.
Variant type: single nucleotide variant.
Coding change: c.2617G>C on transcript NM_001330260.2 (MANE Select); coding-DNA position 2617, G replaced by C.
Protein change: p.Gly873Arg; replaces glycine 873 with arginine.
Molecular consequence: missense variant.
Genome position (GRCh38, 1-based): chr12:51,765,743, G>C. VCF-style: chr12-51765743-G-C. GRCh37 (hg19) VCF-style: chr12-52159527-G-C.
Other names: c.2617G>C, p.Gly873Arg (NM_001177984.3, NM_001369788.1, NM_014191.4); short protein forms G873R.
Identifiers: ClinVar variation 2812823 (VCV002812823.3), dbSNP rs1942828530, ClinGen allele CA384887192.